The following is an entry in ClinVar:

NM_000742.4(CHRNA2):c.1236G>C (p.Glu412Asp)

Gene: CHRNA2 (cholinergic receptor nicotinic alpha 2 subunit; minus strand). Cytogenetic location: 8p21.2.
Variant type: single nucleotide variant.
Coding change: c.1236G>C on transcript NM_000742.4 (MANE Select); coding-DNA position 1236, G replaced by C.
Protein change: p.Glu412Asp; replaces glutamic acid 412 with aspartic acid.
Molecular consequence: missense variant.
Genome position (GRCh38, 1-based): chr8:27,463,207, C>G on the plus strand (G>C on the coding strand, the complement: CHRNA2 is on the minus strand). VCF-style: chr8-27463207-C-G. GRCh37 (hg19) VCF-style: chr8-27320724-C-G.
Other names: c.1191G>C, p.Glu397Asp (NM_001282455.2); c.759G>C, p.Glu253Asp (NM_001347705.2, NM_001347706.2); c.642G>C, p.Glu214Asp (NM_001347707.2, NM_001347708.2); short protein forms E214D, E412D, E253D, E397D.
Identifiers: ClinVar variation 4772474 (VCV004772474.1).

ClinVar aggregate classification (germline): Uncertain significance (1 of 4 stars; one submission).

Conditions:
Familial sleep-related hypermotor epilepsy. Also called: Autosomal Dominant Sleep-Related Hypermotor (Hyperkinetic) Epilepsy. Identifiers: Orphanet 98784, MedGen C3696898, MONDO:0000030.

Submission:

Labcorp Genetics (formerly Invitae), Labcorp
Classification: Uncertain significance. Last evaluated: 2026-01-19. Review status: criteria provided, single submitter. Criteria: Invitae Variant Classification Sherloc (09022015). Collection method: clinical testing. Allele origin: germline.
Comment: This sequence change replaces glutamic acid, which is acidic and polar, with aspartic acid, which is acidic and polar, at codon 412 of the CHRNA2 protein (p.Glu412Asp). This variant is present in population databases (rs750599711, gnomAD 0.001%). This variant has not been reported in the literature in individuals affected with CHRNA2-related conditions. Invitae Evidence Modeling of protein sequence and biophysical properties (such as structural, functional, and spatial information, amino acid conservation, physicochemical variation, residue mobility, and thermodynamic stability) indicates that this missense variant is not expected to disrupt CHRNA2 protein function with a negative predictive value of 95%. In summary, the available evidence is currently insufficient to determine the role of this variant in disease. Therefore, it has been classified as a Variant of Uncertain Significance.